The following is an entry in ClinVar:

ClinVar aggregate classification (germline): Likely pathogenic (1 of 4 stars; one submission).

Conditions:
Hemolytic anemia due to glucophosphate isomerase deficiency (CNSHA4). Also called: ANEMIA, CONGENITAL, NONSPHEROCYTIC HEMOLYTIC, 4. Identifiers: Orphanet 712, MedGen C0272064, MONDO:0013275, OMIM 613470.

Submission:

Women's Health and Genetics/Laboratory Corporation of America, LabCorp
Classification: Likely pathogenic for Hemolytic anemia due to glucophosphate isomerase deficiency. Last evaluated: 2023-05-03. Review status: criteria provided, single submitter. Criteria: LabCorp Variant Classification Summary - May 2015. Collection method: clinical testing. Allele origin: germline.
Comment: Variant summary: GPI c.1269+1G>A is located in a canonical splice-site and is predicted to affect mRNA splicing resulting in a significantly altered protein due to either exon skipping, shortening, or inclusion of intronic material. Several computational tools predict a significant impact on normal splicing: Four predict the variant abolishes a canonical 5' splicing donor site. However, these predictions have yet to be confirmed by functional studies. The variant was absent in 250832 control chromosomes (gnomAD). To our knowledge, no occurrence of c.1269+1G>A in individuals affected with Hemolytic Anemia Due To Glucophosphate Isomerase Deficiency and no experimental evidence demonstrating its impact on protein function have been reported. No clinical diagnostic laboratories have submitted clinical-significance assessments for this variant to ClinVar after 2014. Based on the evidence outlined above, the variant was classified as likely pathogenic.

NM_000175.5(GPI):c.1269+1G>A

Gene: GPI (glucose-6-phosphate isomerase; plus strand). Cytogenetic location: 19q13.11.
Variant type: single nucleotide variant.
Coding change: c.1269+1G>A on transcript NM_000175.5 (MANE Select); the canonical splice donor site of the intron after coding-DNA position 1269, G replaced by A.
Molecular consequence: splice donor variant.
Genome position (GRCh38, 1-based): chr19:34,396,658, G>A. VCF-style: chr19-34396658-G-A. GRCh37 (hg19) VCF-style: chr19-34887563-G-A.
Other names: c.1386+1G>A (NM_001289789.1); c.1302+1G>A (NM_001184722.1); c.1269+1G>A (NM_001329909.1, NM_001329910.1, NM_001329911.2); c.1185+1G>A (NM_001289790.3).
Identifiers: ClinVar variation 2506149 (VCV002506149.1), dbSNP rs2145429665, ClinGen allele CA405243844.